The following is an entry in ClinVar:

ClinVar aggregate classification (germline): Uncertain significance. Review status: criteria provided, multiple submitters, no conflicts (2 of 4 stars). 2 submissions from 2 submitters: Uncertain significance (2). Last evaluated 2023-01-05.

Conditions:
Hypertrophic cardiomyopathy 14. Identifiers: MedGen C2750467, MONDO:0013197, OMIM 613251.

Submissions (2):

Labcorp Genetics (formerly Invitae), Labcorp
Classification: Uncertain significance for Hypertrophic cardiomyopathy 14. Last evaluated: 2023-01-05. Review status: criteria provided, single submitter. Criteria: Invitae Variant Classification Sherloc (09022015). Collection method: clinical testing. Allele origin: germline.
Comment: In summary, the available evidence is currently insufficient to determine the role of this variant in disease. Therefore, it has been classified as a Variant of Uncertain Significance. Advanced modeling of protein sequence and biophysical properties (such as structural, functional, and spatial information, amino acid conservation, physicochemical variation, residue mobility, and thermodynamic stability) performed at Invitae indicates that this missense variant is expected to disrupt MYH6 protein function. This variant has not been reported in the literature in individuals affected with MYH6-related conditions. This variant is not present in population databases (gnomAD no frequency). This sequence change replaces aspartic acid, which is acidic and polar, with tyrosine, which is neutral and polar, at codon 1429 of the MYH6 protein (p.Asp1429Tyr).

GeneDx
Classification: Uncertain significance. Last evaluated: 2022-11-15. Review status: criteria provided, single submitter. Criteria: GeneDx Variant Classification Process June 2021. Collection method: clinical testing. Allele origin: germline. Affected: yes.
Comment: Not observed at significant frequency in large population cohorts (gnomAD); In silico analysis supports that this missense variant has a deleterious effect on protein structure/function; Has not been previously published as pathogenic or benign to our knowledge

NM_002471.4(MYH6):c.4285G>T (p.Asp1429Tyr)

Gene: MYH6 (myosin heavy chain 6; minus strand). Cytogenetic location: 14q11.2.
Variant type: single nucleotide variant.
Coding change: c.4285G>T on transcript NM_002471.4 (MANE Select); coding-DNA position 4285, G replaced by T.
Protein change: p.Asp1429Tyr; replaces aspartic acid 1429 with tyrosine.
Molecular consequence: missense variant.
Genome position (GRCh38, 1-based): chr14:23,388,229, C>A on the plus strand (G>T on the coding strand, the complement: MYH6 is on the minus strand). VCF-style: chr14-23388229-C-A. GRCh37 (hg19) VCF-style: chr14-23857438-C-A.
Other names: short protein forms D1429Y.
Identifiers: ClinVar variation 2502093 (VCV002502093.4), dbSNP rs2502149893, ClinGen allele CA388998914.